The following is an entry in ClinVar:

ClinVar aggregate classification (germline): Likely benign (1 of 4 stars; one submission).

Submission:

GeneDx
Classification: Likely benign. Last evaluated: 2016-03-12. Review status: criteria provided, single submitter. Criteria: GeneDx Variant Classification (06012015). Collection method: clinical testing. Allele origin: germline. Affected: yes.
Comment: This variant is considered likely benign or benign based on one or more of the following criteria: it is a conservative change, it occurs at a poorly conserved position in the protein, it is predicted to be benign by multiple in silico algorithms, and/or has population frequency not consistent with disease.

NM_033380.3(COL4A5):c.3554-5G>C

Gene: COL4A5 (collagen type IV alpha 5 chain; plus strand). Cytogenetic location: Xq22.3.
Variant type: single nucleotide variant.
Coding change: c.3554-5G>C on transcript NM_033380.3 (MANE Select); 5 bases into the intron before coding-DNA position 3554, G replaced by C.
Molecular consequence: intron variant.
Genome position (GRCh38, 1-based): chrX:108,667,128, G>C. VCF-style: chrX-108667128-G-C. GRCh37 (hg19) VCF-style: chrX-107910358-G-C.
Other names: c.3554-5G>C (NM_000495.5).
Identifiers: ClinVar variation 384755 (VCV000384755.1), dbSNP rs1057522041, ClinGen allele CA16608708.